The following is an entry in ClinVar:

NM_001394062.1(MACF1):c.1102A>G (p.Arg368Gly)

Gene: MACF1 (microtubule actin crosslinking factor 1; plus strand). Cytogenetic location: 1p34.3.
Variant type: single nucleotide variant.
Coding change: c.1102A>G on transcript NM_001394062.1 (MANE Select); coding-DNA position 1102, A replaced by G.
Protein change: p.Arg368Gly; replaces arginine 368 with glycine.
Molecular consequence: missense variant.
Genome position (GRCh38, 1-based): chr1:39,284,399, A>G. VCF-style: chr1-39284399-A-G. GRCh37 (hg19) VCF-style: chr1-39750071-A-G.
Other names: c.1117A>G, p.Arg373Gly (NM_012090.5); short protein forms R368G, R373G.
Identifiers: ClinVar variation 3896105 (VCV003896105.1).

ClinVar aggregate classification (germline): Uncertain significance (1 of 4 stars; one submission).

Submission:

Women's Health and Genetics/Laboratory Corporation of America, LabCorp
Classification: Uncertain significance. Last evaluated: 2025-03-19. Review status: criteria provided, single submitter. Criteria: LabCorp Variant Classification Summary - May 2015. Collection method: clinical testing. Allele origin: germline.
Comment: Variant summary: MACF1 c.1117A>G (p.Arg373Gly) results in a non-conservative amino acid change in the encoded protein sequence. Three of five in-silico tools predict a benign effect of the variant on protein function. The variant was absent in 241022 control chromosomes. The available data on variant occurrences in the general population are insufficient to allow any conclusion about variant significance. To our knowledge, no occurrence of c.1117A>G in individuals affected with Lissencephaly 9 With Complex Brainstem Malformation and no experimental evidence demonstrating its impact on protein function have been reported. No submitters have cited clinical-significance assessments for this variant to ClinVar. Based on the evidence outlined above, the variant was classified as uncertain significance.